The following is an entry in ClinVar:

NM_004006.3(DMD):c.5026-10T>G

Gene: DMD (dystrophin; minus strand). Cytogenetic location: Xp21.1.
Variant type: single nucleotide variant.
Coding change: c.5026-10T>G on transcript NM_004006.3 (MANE Select); 10 bases into the intron before coding-DNA position 5026, T replaced by G.
Molecular consequence: intron variant.
Genome position (GRCh38, 1-based): chrX:32,364,720, A>C on the plus strand (T>G on the coding strand, the complement: DMD is on the minus strand). VCF-style: chrX-32364720-A-C. GRCh37 (hg19) VCF-style: chrX-32382837-A-C.
Other names: c.5002-10T>G (NM_000109.4); c.1003-10T>G (NM_004011.4); c.994-10T>G (NM_004012.4); c.5014-10T>G (NM_004009.3); c.4657-10T>G (NM_004010.3).
Identifiers: ClinVar variation 2832691 (VCV002832691.3), dbSNP rs2522554537, ClinGen allele CA2693407108.
Genomic context (GRCh38, chrX:32,364,720, plus strand): 5'-TGTGATGTGGTCCACATTCTGGTCAAAAGTTTCCATGTGTTTCTGGTATTCCTTAATTGT[A>C]CAGAGACATACCATGGCATTATTGGTTAGACAATATTCTTAAAGAATTTTTCCTATGTTC-3'

ClinVar aggregate classification (germline): Uncertain significance (1 of 4 stars; one submission).

Conditions:
Duchenne muscular dystrophy (DMD). Also called: MUSCULAR DYSTROPHY, PSEUDOHYPERTROPHIC PROGRESSIVE, DUCHENNE TYPE; Duchenne Muscular Dystrophy (DMD). Identifiers: Orphanet 98896, MedGen C0013264, MONDO:0010679, OMIM 310200.

Allele frequency attached by ClinVar (database versions not stated): gnomAD exomes below 0.00001.
gnomAD v4.1: 1 of 1,205,553 alleles (0.000083%); highest among the groups gnomAD compares: Non-Finnish European, 0.00011%; no homozygotes.

Submission:

Labcorp Genetics (formerly Invitae), Labcorp
Classification: Uncertain significance for Duchenne muscular dystrophy. Last evaluated: 2023-03-04. Review status: criteria provided, single submitter. Criteria: Invitae Variant Classification Sherloc (09022015). Collection method: clinical testing. Allele origin: germline.
Comment: In summary, the available evidence is currently insufficient to determine the role of this variant in disease. Therefore, it has been classified as a Variant of Uncertain Significance. This sequence change falls in intron 35 of the DMD gene. It does not directly change the encoded amino acid sequence of the DMD protein. Algorithms developed to predict the effect of sequence changes on RNA splicing suggest that this variant may disrupt the consensus splice site. This variant has not been reported in the literature in individuals affected with DMD-related conditions. This variant is not present in population databases (gnomAD no frequency).